The following is an entry in ClinVar:

ClinVar aggregate classification (germline): Likely benign. Review status: criteria provided, multiple submitters, no conflicts (2 of 4 stars). 2 submissions from 2 submitters: Likely benign (2). Last evaluated 2026-07-07.

Conditions:
Rhabdoid tumor predisposition syndrome 2 (RTPS2). Identifiers: Orphanet 231108, Orphanet 69077, MedGen C2750074, MONDO:0013224, OMIM 613325.

Allele frequency attached by ClinVar (database versions not stated): gnomAD exomes 0.00001.
gnomAD v4.1: 5 of 1,610,442 alleles (0.00031%); highest among the groups gnomAD compares: Non-Finnish European, 0.00042%; no homozygotes.

Submissions (2):

Myriad Genetics, Inc.
Classification: Likely benign for Rhabdoid tumor predisposition syndrome 2. Last evaluated: 2026-07-07. Review status: criteria provided, single submitter. Criteria: Myriad Autosomal Dominant, Autosomal Recessive and X-Linked Classification Criteria (2023). Collection method: clinical testing. Allele origin: unknown.
Comment: This variant is considered likely benign. This variant is intronic and is not expected to impact mRNA splicing.

Labcorp Genetics (formerly Invitae), Labcorp
Classification: Likely benign for Rhabdoid tumor predisposition syndrome 2. Last evaluated: 2022-11-18. Review status: criteria provided, single submitter. Criteria: Invitae Variant Classification Sherloc (09022015). Collection method: clinical testing. Allele origin: germline.

NM_003072.5(SMARCA4):c.3547-9T>C

Gene: SMARCA4 (SWI/SNF related BAF chromatin remodeling complex subunit ATPase 4; plus strand). Cytogenetic location: 19p13.2.
Variant type: single nucleotide variant.
Coding change: c.3547-9T>C on transcript NM_003072.5 (MANE Select); 9 bases into the intron before coding-DNA position 3547, T replaced by C.
Molecular consequence: intron variant.
Genome position (GRCh38, 1-based): chr19:11,033,281, T>C. VCF-style: chr19-11033281-T-C. GRCh37 (hg19) VCF-style: chr19-11143957-T-C.
Other names: c.3547-9T>C (NM_001128844.3, NM_001128849.3, NM_001128847.4 and 5 more transcripts).
Identifiers: ClinVar variation 415093 (VCV000415093.13), dbSNP rs1060504443, ClinGen allele CA16616168.